The following is an entry in ClinVar:

NM_014994.3(MAPKBP1):c.2093-2A>G

Gene: MAPKBP1 (mitogen-activated protein kinase binding protein 1; plus strand). Cytogenetic location: 15q15.1.
Variant type: single nucleotide variant.
Coding change: c.2093-2A>G on transcript NM_014994.3 (MANE Select); the canonical splice acceptor site of the intron before coding-DNA position 2093, A replaced by G.
Molecular consequence: splice acceptor variant.
Genome position (GRCh38, 1-based): chr15:41,818,517, A>G. VCF-style: chr15-41818517-A-G. GRCh37 (hg19) VCF-style: chr15-42110715-A-G.
Other names: c.2111-2A>G (NM_001128608.2); c.2093-2A>G (NM_001265611.2).
Identifiers: ClinVar variation 5019346 (VCV005019346.2).

ClinVar aggregate classification (germline): Likely pathogenic (1 of 4 stars; one submission).

Conditions:
Nephronophthisis 20 (NPHP20). Identifiers: MedGen C4310640, MONDO:0014997, OMIM 617271.

Submission:

Juno Genomics, Hangzhou Juno Genomics, Inc
Classification: Likely pathogenic for Nephronophthisis 20. Review status: criteria provided, single submitter. Criteria: ACMG Guidelines, 2015. Collection method: clinical testing. Allele origin: germline.
Comment: Absent from controls (or at extremely low frequency if recessive) in Genome Aggregation Database.;Null variant in a gene where loss of function (LOF) is a known mechanism of disease.